The following is an entry in ClinVar:

NM_001242896.3(DEPDC5):c.2075C>T (p.Ser692Phe)

Gene: DEPDC5 (DEP domain containing 5, GATOR1 subcomplex subunit; plus strand). Cytogenetic location: 22q12.3.
Variant type: single nucleotide variant.
Coding change: c.2075C>T on transcript NM_001242896.3 (MANE Select); coding-DNA position 2075, C replaced by T.
Protein change: p.Ser692Phe; replaces serine 692 with phenylalanine.
Molecular consequence: missense variant. On other transcripts: non-coding transcript variant (4), intron variant (3).
Genome position (GRCh38, 1-based): chr22:31,822,761, C>T. VCF-style: chr22-31822761-C-T. GRCh37 (hg19) VCF-style: chr22-32218747-C-T.
Other names: c.2075C>T, p.Ser692Phe (NM_001136029.4, NM_001363852.2, NM_001364318.2 and 3 more transcripts); c.1991C>T, p.Ser664Phe (NM_001369901.1, NM_001369902.1); c.1870+3536C>T (NM_001363854.2, NM_001242897.2, NM_001364319.2); short protein forms S692F, S664F.
Identifiers: ClinVar variation 414447 (VCV000414447.42), dbSNP rs199783404, ClinGen allele CA10196560.

ClinVar aggregate classification (germline): Benign/Likely benign. Review status: criteria provided, multiple submitters, no conflicts (2 of 4 stars). 7 submissions from 7 submitters: Benign (5); Likely benign (2). Last evaluated 2026-01-31.

Conditions:
Familial focal epilepsy with variable foci (FPEVF). Identifiers: Orphanet 98820, MedGen C1858477, MONDO:0020310.
Inborn genetic diseases. Identifiers: MedGen C0950123, MeSH D030342.
DEPDC5-related disorder. Also called: DEPDC5-related condition; DEPDC5-related related disorder.

Allele frequency attached by ClinVar (database versions not stated): gnomAD 0.00215 and 0.00227; 1000 Genomes Project 0.00319; 1000 Genomes Project 30x 0.00328; gnomAD exomes 0.00023 and 0.00067; ExAC 0.00076; TOPMed 0.00210.
gnomAD v4.1: 663 of 1,614,088 alleles (0.041%); highest among the groups gnomAD compares: African/African-American, 0.75%; 2 homozygotes.

Submissions (7):

Labcorp Genetics (formerly Invitae), Labcorp
Classification: Benign for Familial focal epilepsy with variable foci. Last evaluated: 2026-01-31. Review status: criteria provided, single submitter. Criteria: Invitae Variant Classification Sherloc (09022015). Collection method: clinical testing. Allele origin: germline.

CeGaT Center for Human Genetics Tuebingen
Classification: Benign. Last evaluated: 2026-01-01. Review status: criteria provided, single submitter. Criteria: CeGaT Center For Human Genetics Tuebingen Variant Classification Criteria Version 2. Collection method: clinical testing. Allele origin: germline. Affected: yes. Observed: 2 variant alleles.
Comment: DEPDC5: BS1, BS2

PreventionGenetics, part of Exact Sciences
Classification: Benign for DEPDC5-related condition. Last evaluated: 2025-12-27. Review status: criteria provided, single submitter. Criteria: ACMG Guidelines, 2015. Collection method: clinical testing. Allele origin: germline.
Comment: This variant is classified as benign based on ACMG/AMP sequence variant interpretation guidelines (Richards et al. 2015 PMID: 25741868, with internal and published modifications).

Blueprint Genetics
Classification: Likely benign. Last evaluated: 2024-08-30. Review status: criteria provided, single submitter. Criteria: ACMG Guidelines, 2015. Collection method: clinical testing. Allele origin: germline.

Ambry Genetics
Classification: Likely benign for Inborn genetic diseases. Last evaluated: 2021-10-01. Review status: criteria provided, single submitter. Criteria: Ambry Variant Classification Scheme 2023. Collection method: clinical testing. Allele origin: germline.

GeneDx
Classification: Benign. Last evaluated: 2019-01-29. Review status: criteria provided, single submitter. Criteria: GeneDx Variant Classification Process June 2021. Collection method: clinical testing. Allele origin: germline. Affected: yes.

Breakthrough Genomics
Classification: Benign. Review status: criteria provided, single submitter. Criteria: ACMG Guidelines, 2015. Collection method: not provided. Allele origin: germline. Inheritance: Autosomal dominant inheritance. Affected: yes.